The following is an entry in ClinVar:

NM_004370.6(COL12A1):c.3323A>G (p.Glu1108Gly)

Gene: COL12A1 (collagen type XII alpha 1 chain; minus strand). Cytogenetic location: 6q13.
Variant type: single nucleotide variant.
Coding change: c.3323A>G on transcript NM_004370.6 (MANE Select); coding-DNA position 3323, A replaced by G.
Protein change: p.Glu1108Gly; replaces glutamic acid 1108 with glycine.
Molecular consequence: missense variant. On other transcripts: intron variant (2).
Genome position (GRCh38, 1-based): chr6:75,155,782, T>C on the plus strand (A>G on the coding strand, the complement: COL12A1 is on the minus strand). VCF-style: chr6-75155782-T-C. GRCh37 (hg19) VCF-style: chr6-75865498-T-C.
Other names: c.3323A>G, p.Glu1108Gly (NM_001424113.1, NM_001424114.1); c.3050A>G, p.Glu1017Gly (NM_001424115.1); c.74-3300A>G (NM_001424116.1, NM_080645.3); short protein forms E1017G, E1108G.
Identifiers: ClinVar variation 2938349 (VCV002938349.3), dbSNP rs955027124, ClinGen allele CA141011364.
Genomic context (GRCh38, chr6:75,155,782, plus strand): 5'-CTGTCATCCCCCGTAGGGTGGAATGTGACTTTATAACCCTTCACTTCCCCAGGGGCAGGC[T>C]CCCAAGTCACTCGGAAGCTTGACATGGTTGGGTCAGATGTTTTGAGGTTTCTAGGAGACT-3'
Protein context (NP_004361.3, residues 1098-1118): PTMSSFRVTW[Glu1108Gly]PAPGEVKGYK

ClinVar aggregate classification (germline): Uncertain significance (1 of 4 stars; one submission).

Conditions:
Ullrich congenital muscular dystrophy 2 (UCMD2). Identifiers: Orphanet 75840, MedGen C4225314, MONDO:0014654, OMIM 616470.
Bethlem myopathy 2 (BTHLM2). Identifiers: Orphanet 536516, Orphanet 610, MedGen C4225313, MONDO:0034022, OMIM 616471.

Submission:

Labcorp Genetics (formerly Invitae), Labcorp
Classification: Uncertain significance for Bethlem myopathy 2; Ullrich congenital muscular dystrophy 2. Last evaluated: 2023-12-16. Review status: criteria provided, single submitter. Criteria: Invitae Variant Classification Sherloc (09022015). Collection method: clinical testing. Allele origin: germline.
Comment: This sequence change replaces glutamic acid, which is acidic and polar, with glycine, which is neutral and non-polar, at codon 1108 of the COL12A1 protein (p.Glu1108Gly). This variant is not present in population databases (gnomAD no frequency). This variant has not been reported in the literature in individuals affected with COL12A1-related conditions. Advanced modeling of protein sequence and biophysical properties (such as structural, functional, and spatial information, amino acid conservation, physicochemical variation, residue mobility, and thermodynamic stability) performed at Invitae indicates that this missense variant is not expected to disrupt COL12A1 protein function with a negative predictive value of 80%. In summary, the available evidence is currently insufficient to determine the role of this variant in disease. Therefore, it has been classified as a Variant of Uncertain Significance.